The following is an entry in ClinVar:

NM_153603.4(COG7):c.1777C>T (p.Gln593Ter)

Gene: COG7 (component of oligomeric golgi complex 7; minus strand). Cytogenetic location: 16p12.2.
Variant type: single nucleotide variant.
Coding change: c.1777C>T on transcript NM_153603.4 (MANE Select); coding-DNA position 1777, C replaced by T.
Protein change: p.Gln593Ter; replaces glutamine 593 with a stop codon.
Molecular consequence: nonsense.
Genome position (GRCh38, 1-based): chr16:23,403,720, G>A on the plus strand (C>T on the coding strand, the complement: COG7 is on the minus strand). VCF-style: chr16-23403720-G-A. GRCh37 (hg19) VCF-style: chr16-23415041-G-A.
Other names: short protein forms Q593*.
Identifiers: ClinVar variation 5005554 (VCV005005554.2).

ClinVar aggregate classification (germline): Likely pathogenic (1 of 4 stars; one submission).

Conditions:
COG7 congenital disorder of glycosylation (CDG2E). Also called: CONGENITAL DISORDER OF GLYCOSYLATION, TYPE IIe; CDG IIe. Identifiers: Orphanet 79333, MedGen C2931010, MONDO:0012118, OMIM 608779.

gnomAD v4.1: 12 of 1,614,188 alleles (0.00074%); highest among the groups gnomAD compares: South Asian, 0.0011%; no homozygotes.

Submission:

Juno Genomics, Hangzhou Juno Genomics, Inc
Classification: Likely pathogenic for COG7 congenital disorder of glycosylation. Review status: criteria provided, single submitter. Criteria: ACMG Guidelines, 2015. Collection method: clinical testing. Allele origin: germline.
Comment: Null variant in a gene where loss of function (LOF) is a known mechanism of disease.;Absent from controls (or at extremely low frequency if recessive) in Genome Aggregation Database.